The following is an entry in ClinVar:

NM_003119.4(SPG7):c.976_987+3del

Gene: SPG7 (SPG7 matrix AAA peptidase subunit, paraplegin; plus strand). Cytogenetic location: 16q24.3.
Variant type: Deletion.
Coding change: c.976_987+3del on transcript NM_003119.4 (MANE Select); coding-DNA position 976 through 3 bases into the intron after coding-DNA position 987, 15 bases deleted (GATTATCTGAAGGTG).
Molecular consequence: splice donor variant.
Genome position (GRCh38, 1-based): chr16:89,530,797-89,530,811, GATTATCTGAAGGTG deleted; deleting any 15 consecutive bases within chr16:89,530,794-89,530,811 gives the same sequence; the c. name uses the placement nearest the transcript's 3' end. VCF-style (leftmost placement, unchanged base first): chr16-89530793-TGTGGATTATCTGAAG-T. GRCh37 (hg19) VCF-style: chr16-89597201-TGTGGATTATCTGAAG-T.
Other names: c.976_987+3del (NM_001363850.1, NM_199367.3); c.976_987+3delGATTATCTGAAGGTG (NM_003119.3).
Identifiers: ClinVar variation 239501 (VCV000239501.10), dbSNP rs878854606, ClinGen allele CA10583434.

ClinVar aggregate classification (germline): Pathogenic/Likely pathogenic. Review status: criteria provided, multiple submitters, no conflicts (2 of 4 stars). 4 submissions from 4 submitters: Pathogenic (1); Likely pathogenic (3). Last evaluated 2022-05-02.

Conditions:
Hereditary spastic paraplegia 7 (SPG7). Also called: Autosomal recessive spastic paraplegia type 7; Spastic paraplegia 7; Hereditary spastic paraplegia Paraplegin type; SPASTIC PARAPLEGIA 7, AUTOSOMAL RECESSIVE, WITH OR WITHOUT CEREBELLAR ATAXIA; SPG7-related neurologic disorder. Identifiers: Orphanet 99013, MedGen C1846564, MONDO:0011803, OMIM 607259.

Submissions (4):

GeneDx
Classification: Likely pathogenic. Last evaluated: 2022-05-02. Review status: criteria provided, single submitter. Criteria: GeneDx Variant Classification Process June 2021. Collection method: clinical testing. Allele origin: germline. Affected: yes.
Comment: Canonical splice site variant expected to result in aberrant splicing, although in the absence of functional evidence the actual effect of this sequence change is unknown.; Not observed in large population cohorts (gnomAD); Has not been previously published as pathogenic or benign to our knowledge

PROSPAX: an integrated multimodal progression  chart in spastic ataxias, Center for Neurology; Hertie-Institute for Clinical Brain Research
Classification: Likely pathogenic for Hereditary spastic paraplegia 7. Last evaluated: 2022-01-01. Review status: criteria provided, single submitter. Criteria: ACMG Guidelines, 2015. Collection method: research. Allele origin: germline. Affected: yes. Observed: 1 variant allele, 1 compound heterozygote.

Labcorp Genetics (formerly Invitae), Labcorp
Classification: Likely pathogenic for Hereditary spastic paraplegia 7. Last evaluated: 2020-05-27. Review status: criteria provided, single submitter. Criteria: Invitae Variant Classification Sherloc (09022015). Collection method: clinical testing. Allele origin: germline.
Comment: This variant, c.973_987del, results in the deletion of 5 amino acids of the SPG7 protein (p.Val325_Lys329del), but otherwise preserves the integrity of the reading frame. This variant also impacts the last nucleotide of exon 7 of the SPG7 coding sequence, which is part of the consensus splice site for this exon. This variant has been observed in individual(s) with clinical features of hereditary spastic paraplegia (Invitae). ClinVar contains an entry for this variant (Variation ID: 239501). Nucleotide substitutions within the consensus splice site are a relatively common cause of aberrant splicing (PMID: 17576681, 9536098). In summary, the currently available evidence indicates that the variant is pathogenic, but additional data are needed to prove that conclusively. Therefore, this variant has been classified as Likely Pathogenic.

Athena Diagnostics
Classification: Pathogenic. Last evaluated: 2017-06-30. Review status: criteria provided, single submitter. Criteria: Athena Diagnostics Criteria. Collection method: clinical testing. Allele origin: germline.

Literature cited by the submitters: PubMed 17576681 (cited by Labcorp Genetics (formerly Invitae), Labcorp); PubMed 9536098 (cited by Labcorp Genetics (formerly Invitae), Labcorp).